The following is an entry in ClinVar:

NM_020779.4(WDR35):c.770T>C (p.Val257Ala)

Gene: WDR35 (WD repeat domain 35; minus strand). Cytogenetic location: 2p24.1.
Variant type: single nucleotide variant.
Coding change: c.770T>C on transcript NM_020779.4 (MANE Select); coding-DNA position 770, T replaced by C.
Protein change: p.Val257Ala; replaces valine 257 with alanine.
Molecular consequence: missense variant.
Genome position (GRCh38, 1-based): chr2:19,973,675, A>G on the plus strand (T>C on the coding strand, the complement: WDR35 is on the minus strand). VCF-style: chr2-19973675-A-G. GRCh37 (hg19) VCF-style: chr2-20173436-A-G.
Other names: p.Val257Ala; c.770T>C, p.Val257Ala (NM_001006657.2); short protein forms V257A.
Identifiers: ClinVar variation 198758 (VCV000198758.47), dbSNP rs142955097, ClinGen allele CA203597.
Genomic context (GRCh38, chr2:19,973,675, plus strand): 5'-GCTGCCTTCTGGAAGCCTGCCACAGCTAACACGCTGCCCATGTGGTTCCACTGGATGCCT[A>G]CTACGTACATGCCAGTGTCAATCAAAACGGGATCTAGTCAGAAAGAGAAAAATGAGGTCA-3'
Protein context (NP_065830.2, residues 247-267): PVLIDTGMYV[Val257Ala]GIQWNHMGSV

ClinVar aggregate classification (germline): Benign/Likely benign. Review status: criteria provided, multiple submitters, no conflicts (2 of 4 stars). 12 submissions from 11 submitters: Benign (2); Likely benign (8). 2 of the submissions do not count toward it. Last evaluated 2026-05-01.

Conditions:
Cranioectodermal dysplasia 2 (CED2). Identifiers: Orphanet 1515, MedGen C3150874, MONDO:0013323, OMIM 613610.
Connective tissue disorder. Also called: Connective tissue disease. Identifiers: MedGen C0009782, MONDO:0003900.
Short-rib thoracic dysplasia 7 with or without polydactyly (SRTD7). Also called: Short rib polydactyly syndrome 5; SHORT-RIB THORACIC DYSPLASIA 7 WITH POLYDACTYLY. Identifiers: Orphanet 498497, Orphanet 93271, MedGen C3279792, MONDO:0013569, OMIM 614091.

Allele frequency attached by ClinVar (database versions not stated): 1000 Genomes Project 0.00060; ESP Exome Variant Server 0.00069; 1000 Genomes Project 30x 0.00078; TOPMed 0.00091; gnomAD 0.00095 and 0.00104; ExAC 0.00149.
gnomAD v4.1: 1,875 of 1,614,198 alleles (0.12%); highest among the groups gnomAD compares: Middle Eastern, 3.8%; 27 homozygotes.

Submissions (12):

CeGaT Center for Human Genetics Tuebingen
Classification: Likely benign. Last evaluated: 2026-05-01. Review status: criteria provided, single submitter. Criteria: CeGaT Center For Human Genetics Tuebingen Variant Classification Criteria Version 2. Collection method: clinical testing. Allele origin: germline. Affected: yes. Observed: 5 variant alleles.
Comment: WDR35: BS2

Labcorp Genetics (formerly Invitae), Labcorp
Classification: Likely benign for Cranioectodermal dysplasia 2; Short-rib thoracic dysplasia 7 with or without polydactyly. Last evaluated: 2025-12-25. Review status: criteria provided, single submitter. Criteria: Invitae Variant Classification Sherloc (09022015). Collection method: clinical testing. Allele origin: germline.

Mayo Clinic Laboratories, Mayo Clinic
Classification: Likely benign. Last evaluated: 2025-05-05. Review status: criteria provided, single submitter. Criteria: ACMG Guidelines, 2015. Collection method: clinical testing. Allele origin: germline. Observed: 2 variant alleles.
Comment: BS1, BP4

Genome Diagnostics Laboratory, The Hospital for Sick Children
Classification: Benign for Connective tissue disorder. Last evaluated: 2021-12-06. Review status: criteria provided, single submitter. Criteria: ACMG Guidelines, 2015. Collection method: clinical testing. Allele origin: germline.

GeneDx
Classification: Likely benign. Last evaluated: 2021-06-21. Review status: criteria provided, single submitter. Criteria: GeneDx Variant Classification Process June 2021. Collection method: clinical testing. Allele origin: germline. Affected: yes.

ARUP Laboratories, Molecular Genetics and Genomics, ARUP Laboratories
Classification: Likely benign. Last evaluated: 2018-11-13. Review status: criteria provided, single submitter. Criteria: ARUP Molecular Germline Variant Investigation Process. Collection method: clinical testing. Allele origin: germline.

Illumina Laboratory Services, Illumina
Classification: Likely benign for Short-rib thoracic dysplasia 7 with or without polydactyly. Last evaluated: 2018-01-13. Review status: criteria provided, single submitter. Criteria: ICSL Variant Classification Criteria 13 December 2019. Collection method: clinical testing. Allele origin: germline.
Comment: This variant was observed in the ICSL laboratory as part of a predisposition screen in an ostensibly healthy population. It had not been previously curated by ICSL or reported in the Human Gene Mutation Database (HGMD: prior to June 1st, 2018), and was therefore a candidate for classification through an automated scoring system. Utilizing variant allele frequency, disease prevalence and penetrance estimates, and inheritance mode, an automated score was calculated to assess if this variant is too frequent to cause the disease. Based on the score and internal cut-off values, a variant classified as likely benign is not then subjected to further curation. The score for this variant resulted in a classification of likely benign for this disease.

Illumina Laboratory Services, Illumina
Classification: Likely benign for Cranioectodermal dysplasia 2. Last evaluated: 2018-01-13. Review status: criteria provided, single submitter. Criteria: ICSL Variant Classification Criteria 13 December 2019. Collection method: clinical testing. Allele origin: germline.
Comment: the same text as in the submission from Illumina Laboratory Services, Illumina above.

Eurofins Ntd Llc (ga)
Classification: Benign. Last evaluated: 2015-06-01. Review status: criteria provided, single submitter. Criteria: EGL Classification Definitions 2015. Collection method: clinical testing. Allele origin: germline. Observed: 2 variant alleles, 2 heterozygotes.

Breakthrough Genomics
Classification: Likely benign. Review status: criteria provided, single submitter. Criteria: ACMG Guidelines, 2015. Collection method: not provided. Allele origin: germline. Inheritance: Autosomal recessive inheritance. Affected: yes.

Clinical Genetics DNA and cytogenetics Diagnostics Lab, Erasmus MC, Erasmus Medical Center
Classification: Likely benign. Review status: no assertion criteria provided. Collection method: clinical testing. Allele origin: germline. Affected: yes. Study: VKGL Data-share Consensus. Not counted in ClinVar's aggregate classification.

Genome Diagnostics Laboratory, University Medical Center Utrecht
Classification: Likely benign. Review status: no assertion criteria provided. Collection method: clinical testing. Allele origin: germline. Affected: yes. Study: VKGL Data-share Consensus. Not counted in ClinVar's aggregate classification.

Literature cited by the submitters: PubMed 31308072 (cited by Mayo Clinic Laboratories, Mayo Clinic).